The following is an entry in ClinVar:

ClinVar aggregate classification (germline): Benign (0 of 4 stars; one submission).

Conditions:
NFKBIL1-related disorder. Also called: NFKBIL1-related condition.

Allele frequency attached by ClinVar (database versions not stated): gnomAD exomes 0.93055; ESP Exome Variant Server 0.94844; gnomAD 0.95355; ExAC 0.95664; TOPMed 0.95899; 1000 Genomes Project 30x 0.98142; 1000 Genomes Project 0.98203.

Submission:

PreventionGenetics, part of Exact Sciences
Classification: Benign for NFKBIL1-related condition. Last evaluated: 2019-10-17. Review status: no assertion criteria provided. Collection method: clinical testing. Allele origin: germline.
Comment: This variant is classified as benign based on ACMG/AMP sequence variant interpretation guidelines (Richards et al. 2015 PMID: 25741868, with internal and published modifications).

NM_005007.4(NFKBIL1):c.670C>T (p.Arg224Cys)

Gene: NFKBIL1 (NFKB inhibitor like 1; plus strand). Cytogenetic location: 6p21.33.
Variant type: single nucleotide variant.
Coding change: c.670C>T on transcript NM_005007.4 (MANE Select); coding-DNA position 670, C replaced by T.
Protein change: p.Arg224Cys; replaces arginine 224 with cysteine.
Molecular consequence: missense variant.
Genome position (GRCh38, 1-based): chr6:31,558,135, C>T. VCF-style: chr6-31558135-C-T. GRCh37 (hg19) VCF-style: chr6-31525912-C-T.
Other names: c.625C>T, p.Arg209Cys (NM_001144961.2); c.601C>T, p.Arg201Cys (NM_001144962.2); c.556C>T, p.Arg186Cys (NM_001144963.2); short protein forms R186C, R201C, R209C, R224C.
Identifiers: ClinVar variation 3060091 (VCV003060091.2), dbSNP rs3130062, ClinGen allele CA3713684.